The following is an entry in ClinVar:

ClinVar aggregate classification (germline): Uncertain significance (1 of 4 stars; one submission).

Conditions:
Cohen syndrome (COH1). Also called: Cutis verticis gyrata, retinitis pigmentosa, and sensorineural deafness; PEPPER SYNDROME. Identifiers: Orphanet 193, MedGen C0265223, MONDO:0008999, OMIM 216550.

Submission:

Labcorp Genetics (formerly Invitae), Labcorp
Classification: Uncertain significance for Cohen syndrome. Last evaluated: 2022-05-27. Review status: criteria provided, single submitter. Criteria: Invitae Variant Classification Sherloc (09022015). Collection method: clinical testing. Allele origin: germline.
Comment: In summary, the available evidence is currently insufficient to determine the role of this variant in disease. Therefore, it has been classified as a Variant of Uncertain Significance. Algorithms developed to predict the effect of missense changes on protein structure and function are either unavailable or do not agree on the potential impact of this missense change (SIFT: "Not Available"; PolyPhen-2: "Possibly Damaging"; Align-GVGD: "Not Available"). This variant has not been reported in the literature in individuals affected with VPS13B-related conditions. This variant is not present in population databases (gnomAD no frequency). This sequence change replaces tyrosine, which is neutral and polar, with histidine, which is basic and polar, at codon 2704 of the VPS13B protein (p.Tyr2704His).

NM_152564.5(VPS13B):c.8035T>C (p.Tyr2679His)

Gene: VPS13B (vacuolar protein sorting 13 homolog B; plus strand). Cytogenetic location: 8q22.2.
Variant type: single nucleotide variant.
Coding change: c.8035T>C on transcript NM_152564.5 (MANE Select); coding-DNA position 8035, T replaced by C.
Protein change: p.Tyr2679His; replaces tyrosine 2679 with histidine.
Molecular consequence: missense variant.
Genome position (GRCh38, 1-based): chr8:99,809,468, T>C. VCF-style: chr8-99809468-T-C. GRCh37 (hg19) VCF-style: chr8-100821696-T-C.
Other names: c.8110T>C, p.Tyr2704His (NM_017890.5); short protein forms Y2679H, Y2704H.
Identifiers: ClinVar variation 1999653 (VCV001999653.4), dbSNP rs2491976885, ClinGen allele CA371769964.